The following is an entry in ClinVar:

ClinVar aggregate classification (germline): Uncertain significance (1 of 4 stars; one submission).

Conditions:
Neurofibromatosis, type 1 (NF1). Also called: VON RECKLINGHAUSEN DISEASE; Peripheral type neurofibromatosis; Neurofibromatosis, type I; NEUROFIBROMATOSIS, TYPE I, SOMATIC. Identifiers: Orphanet 636, MedGen C0027831, MONDO:0018975, OMIM 162200. Disease mechanism: loss of function.

Submission:

Labcorp Genetics (formerly Invitae), Labcorp
Classification: Uncertain significance for Neurofibromatosis, type 1. Last evaluated: 2025-06-09. Review status: criteria provided, single submitter. Criteria: Invitae Variant Classification Sherloc (09022015). Collection method: clinical testing. Allele origin: germline.
Comment: This sequence change replaces serine, which is neutral and polar, with leucine, which is neutral and non-polar, at codon 2439 of the NF1 protein (p.Ser2439Leu). This variant is not present in population databases (gnomAD no frequency). This variant has not been reported in the literature in individuals affected with NF1-related conditions. ClinVar contains an entry for this variant (Variation ID: 1385205). Invitae Evidence Modeling of protein sequence and biophysical properties (such as structural, functional, and spatial information, amino acid conservation, physicochemical variation, residue mobility, and thermodynamic stability) has been performed for this missense variant. However, the output from this modeling did not meet the statistical confidence thresholds required to predict the impact of this variant on NF1 protein function. In summary, the available evidence is currently insufficient to determine the role of this variant in disease. Therefore, it has been classified as a Variant of Uncertain Significance.

NM_001042492.3(NF1):c.7379C>T (p.Ser2460Leu)

Gene: NF1 (neurofibromin 1; plus strand). Cytogenetic location: 17q11.2.
Variant type: single nucleotide variant.
Coding change: c.7379C>T on transcript NM_001042492.3 (MANE Select); coding-DNA position 7379, C replaced by T.
Protein change: p.Ser2460Leu; replaces serine 2460 with leucine.
Molecular consequence: missense variant.
Genome position (GRCh38, 1-based): chr17:31,350,240, C>T. VCF-style: chr17-31350240-C-T. GRCh37 (hg19) VCF-style: chr17-29677258-C-T.
Other names: c.7316C>T, p.Ser2439Leu (NM_000267.4); short protein forms S2439L, S2460L.
Identifiers: ClinVar variation 1385205 (VCV001385205.6), dbSNP rs2151574431, ClinGen allele CA399017067.